The following is an entry in ClinVar:

ClinVar aggregate classification (germline): Benign. Review status: criteria provided, multiple submitters, no conflicts (2 of 4 stars). 3 submissions from 3 submitters: Benign (2). 1 of the submissions does not count toward it. Last evaluated 2021-10-21.

Conditions:
NCOR2-related disorder. Also called: NCOR2-related condition.

Allele frequency attached by ClinVar (database versions not stated): ESP Exome Variant Server 0.13259; TOPMed 0.17052; gnomAD 0.17533 and 0.18062; gnomAD exomes 0.21888; ExAC 0.24271; 1000 Genomes Project 30x 0.24984; 1000 Genomes Project 0.25539.
gnomAD v4.1: 255,694 of 1,519,722 alleles (17%); highest among the groups gnomAD compares: East Asian, 45%; 24,963 homozygotes.

Submissions (32):

GeneDx
Classification: Benign. Last evaluated: 2021-10-21. Review status: criteria provided, single submitter. Criteria: GeneDx Variant Classification Process June 2021. Collection method: clinical testing. Allele origin: germline. Affected: yes.

Breakthrough Genomics
Classification: Benign. Review status: criteria provided, single submitter. Criteria: ACMG Guidelines, 2015. Collection method: not provided. Allele origin: germline. Inheritance: Unknown mechanism. Affected: yes.

PreventionGenetics, part of Exact Sciences
Classification: Benign for NCOR2-related condition. Last evaluated: 2019-10-30. Review status: no assertion criteria provided. Collection method: clinical testing. Allele origin: germline. Not counted in ClinVar's aggregate classification.
Comment: This variant is classified as benign based on ACMG/AMP sequence variant interpretation guidelines (Richards et al. 2015 PMID: 25741868, with internal and published modifications).

Dr. Peter K. Rogan Lab, Western University
No classification provided (evidence only). Condition: Melanoma. Review status: no classification provided. Collection method: in vitro. Allele origin: not applicable. Functional consequence: retained intron. Not counted in ClinVar's aggregate classification.

Dr. Peter K. Rogan Lab, Western University
No classification provided (evidence only). Condition: Acute myeloid leukemia. Review status: no classification provided. Collection method: in vitro. Allele origin: not applicable. Functional consequence: retained intron. Not counted in ClinVar's aggregate classification.

Dr. Peter K. Rogan Lab, Western University
No classification provided (evidence only). Condition: Acute myeloid leukemia. Review status: no classification provided. Collection method: in vitro. Allele origin: not applicable. Functional consequence: retained intron. Not counted in ClinVar's aggregate classification.

Dr. Peter K. Rogan Lab, Western University
No classification provided (evidence only). Condition: Acute myeloid leukemia. Review status: no classification provided. Collection method: in vitro. Allele origin: not applicable. Functional consequence: retained intron. Not counted in ClinVar's aggregate classification.

Dr. Peter K. Rogan Lab, Western University
No classification provided (evidence only). Condition: Thyroid cancer, nonmedullary, 1. Review status: no classification provided. Collection method: in vitro. Allele origin: not applicable. Functional consequence: retained intron. Not counted in ClinVar's aggregate classification.

Dr. Peter K. Rogan Lab, Western University
No classification provided (evidence only). Condition: Thyroid cancer, nonmedullary, 1. Review status: no classification provided. Collection method: in vitro. Allele origin: not applicable. Functional consequence: retained intron. Not counted in ClinVar's aggregate classification.

Dr. Peter K. Rogan Lab, Western University
No classification provided (evidence only). Condition: Thyroid cancer, nonmedullary, 1. Review status: no classification provided. Collection method: in vitro. Allele origin: not applicable. Functional consequence: retained intron. Not counted in ClinVar's aggregate classification.

Dr. Peter K. Rogan Lab, Western University
No classification provided (evidence only). Condition: Thyroid cancer, nonmedullary, 1. Review status: no classification provided. Collection method: in vitro. Allele origin: not applicable. Functional consequence: retained intron. Not counted in ClinVar's aggregate classification.

Dr. Peter K. Rogan Lab, Western University
No classification provided (evidence only). Condition: Thyroid cancer, nonmedullary, 1. Review status: no classification provided. Collection method: in vitro. Allele origin: not applicable. Functional consequence: retained intron. Not counted in ClinVar's aggregate classification.

Dr. Peter K. Rogan Lab, Western University
No classification provided (evidence only). Condition: Thyroid cancer, nonmedullary, 1. Review status: no classification provided. Collection method: in vitro. Allele origin: not applicable. Functional consequence: retained intron. Not counted in ClinVar's aggregate classification.

Dr. Peter K. Rogan Lab, Western University
No classification provided (evidence only). Condition: Thyroid cancer, nonmedullary, 1. Review status: no classification provided. Collection method: in vitro. Allele origin: not applicable. Functional consequence: retained intron. Not counted in ClinVar's aggregate classification.

Dr. Peter K. Rogan Lab, Western University
No classification provided (evidence only). Condition: Malignant lymphoma, large B-cell, diffuse. Review status: no classification provided. Collection method: in vitro. Allele origin: not applicable. Functional consequence: retained intron. Not counted in ClinVar's aggregate classification.

Dr. Peter K. Rogan Lab, Western University
No classification provided (evidence only). Condition: Malignant lymphoma, large B-cell, diffuse. Review status: no classification provided. Collection method: in vitro. Allele origin: not applicable. Functional consequence: retained intron. Not counted in ClinVar's aggregate classification.

Dr. Peter K. Rogan Lab, Western University
No classification provided (evidence only). Condition: Malignant lymphoma, large B-cell, diffuse. Review status: no classification provided. Collection method: in vitro. Allele origin: not applicable. Functional consequence: retained intron. Not counted in ClinVar's aggregate classification.

Dr. Peter K. Rogan Lab, Western University
No classification provided (evidence only). Condition: Malignant lymphoma, large B-cell, diffuse. Review status: no classification provided. Collection method: in vitro. Allele origin: not applicable. Functional consequence: retained intron. Not counted in ClinVar's aggregate classification.

Dr. Peter K. Rogan Lab, Western University
No classification provided (evidence only). Condition: Malignant lymphoma, large B-cell, diffuse. Review status: no classification provided. Collection method: in vitro. Allele origin: not applicable. Functional consequence: retained intron. Not counted in ClinVar's aggregate classification.

Dr. Peter K. Rogan Lab, Western University
No classification provided (evidence only). Condition: Malignant lymphoma, large B-cell, diffuse. Review status: no classification provided. Collection method: in vitro. Allele origin: not applicable. Functional consequence: retained intron. Not counted in ClinVar's aggregate classification.

Dr. Peter K. Rogan Lab, Western University
No classification provided (evidence only). Condition: Malignant lymphoma, large B-cell, diffuse. Review status: no classification provided. Collection method: in vitro. Allele origin: not applicable. Functional consequence: retained intron. Not counted in ClinVar's aggregate classification.

Dr. Peter K. Rogan Lab, Western University
No classification provided (evidence only). Condition: Malignant lymphoma, large B-cell, diffuse. Review status: no classification provided. Collection method: in vitro. Allele origin: not applicable. Functional consequence: retained intron. Not counted in ClinVar's aggregate classification.

Dr. Peter K. Rogan Lab, Western University
No classification provided (evidence only). Condition: Malignant lymphoma, large B-cell, diffuse. Review status: no classification provided. Collection method: in vitro. Allele origin: not applicable. Functional consequence: retained intron. Not counted in ClinVar's aggregate classification.

Dr. Peter K. Rogan Lab, Western University
No classification provided (evidence only). Condition: Uterine carcinosarcoma. Review status: no classification provided. Collection method: in vitro. Allele origin: not applicable. Functional consequence: retained intron. Not counted in ClinVar's aggregate classification.

Dr. Peter K. Rogan Lab, Western University
No classification provided (evidence only). Condition: Uterine carcinosarcoma. Review status: no classification provided. Collection method: in vitro. Allele origin: not applicable. Functional consequence: retained intron. Not counted in ClinVar's aggregate classification.

Dr. Peter K. Rogan Lab, Western University
No classification provided (evidence only). Condition: Uterine carcinosarcoma. Review status: no classification provided. Collection method: in vitro. Allele origin: not applicable. Functional consequence: retained intron. Not counted in ClinVar's aggregate classification.

Dr. Peter K. Rogan Lab, Western University
No classification provided (evidence only). Condition: Uterine carcinosarcoma. Review status: no classification provided. Collection method: in vitro. Allele origin: not applicable. Functional consequence: retained intron. Not counted in ClinVar's aggregate classification.

Dr. Peter K. Rogan Lab, Western University
No classification provided (evidence only). Condition: Uterine carcinosarcoma. Review status: no classification provided. Collection method: in vitro. Allele origin: not applicable. Functional consequence: retained intron. Not counted in ClinVar's aggregate classification.

Dr. Peter K. Rogan Lab, Western University
No classification provided (evidence only). Condition: Uterine carcinosarcoma. Review status: no classification provided. Collection method: in vitro. Allele origin: not applicable. Functional consequence: retained intron. Not counted in ClinVar's aggregate classification.

Dr. Peter K. Rogan Lab, Western University
No classification provided (evidence only). Condition: Uterine carcinosarcoma. Review status: no classification provided. Collection method: in vitro. Allele origin: not applicable. Functional consequence: retained intron. Not counted in ClinVar's aggregate classification.

Dr. Peter K. Rogan Lab, Western University
No classification provided (evidence only). Condition: Uterine carcinosarcoma. Review status: no classification provided. Collection method: in vitro. Allele origin: not applicable. Functional consequence: retained intron. Not counted in ClinVar's aggregate classification.

Dr. Peter K. Rogan Lab, Western University
No classification provided (evidence only). Condition: Uveal melanoma. Review status: no classification provided. Collection method: in vitro. Allele origin: not applicable. Functional consequence: retained intron. Not counted in ClinVar's aggregate classification.

NM_006312.6(NCOR2):c.5718G>A (p.Pro1906=)

Gene: NCOR2 (nuclear receptor corepressor 2; minus strand). Cytogenetic location: 12q24.31.
Variant type: single nucleotide variant.
Coding change: c.5718G>A on transcript NM_006312.6 (MANE Select); coding-DNA position 5718, G replaced by A.
Protein change: p.Pro1906=; no amino-acid change (proline 1906 retained).
Molecular consequence: synonymous variant.
Genome position (GRCh38, 1-based): chr12:124,337,150, C>T on the plus strand (G>A on the coding strand, the complement: NCOR2 is on the minus strand). VCF-style: chr12-124337150-C-T. GRCh37 (hg19) VCF-style: chr12-124821696-C-T.
Other names: NC_000012.11:g.124821696C>T; c.5688G>A, p.Pro1896= (NM_001077261.4, NM_001206654.2).
Identifiers: ClinVar variation 1301427 (VCV001301427.6), dbSNP rs2229842, ClinGen allele CA6867761.